The following is an entry in ClinVar:

ClinVar aggregate classification (germline): Uncertain significance (1 of 4 stars; one submission).

gnomAD v4.1: 1 of 1,614,124 alleles (0.000062%); highest among the groups gnomAD compares: East Asian, 0.0022%; no homozygotes.

Submission:

GeneDx
Classification: Uncertain significance. Last evaluated: 2024-11-13. Review status: criteria provided, single submitter. Criteria: GeneDx Variant Classification Process June 2021. Collection method: clinical testing. Allele origin: germline. Affected: yes.
Comment: Not observed at significant frequency in large population cohorts (gnomAD); In silico analysis indicates that this missense variant does not alter protein structure/function; Has not been previously published as pathogenic or benign to our knowledge

NM_001148.6(ANK2):c.4028G>A (p.Arg1343Lys)

Gene: ANK2 (ankyrin 2; plus strand). Cytogenetic location: 4q26.
Variant type: single nucleotide variant.
Coding change: c.4028G>A on transcript NM_001148.6 (MANE Select); coding-DNA position 4028, G replaced by A.
Protein change: p.Arg1343Lys; replaces arginine 1343 with lysine.
Molecular consequence: missense variant.
Genome position (GRCh38, 1-based): chr4:113,341,822, G>A. VCF-style: chr4-113341822-G-A. GRCh37 (hg19) VCF-style: chr4-114262978-G-A.
Other names: c.4001G>A, p.Arg1334Lys (NM_001127493.3); c.4040G>A, p.Arg1347Lys (NM_001354225.2); c.3929G>A, p.Arg1310Lys (NM_001354228.2, NM_001354258.2); c.4007G>A, p.Arg1336Lys (NM_001354230.2); c.4070G>A, p.Arg1357Lys (NM_001354231.2, NM_001354242.2); c.4064G>A, p.Arg1355Lys (NM_001354232.2); c.4025G>A, p.Arg1342Lys (NM_001354235.2, NM_001354246.2, NM_001354265.2); c.3926G>A, p.Arg1309Lys (NM_001354236.2); and 31 more; short protein forms R1182K, R1215K, R1243K, R1248K, R1256K, R1268K, R1272K, R1276K.
Identifiers: ClinVar variation 3899736 (VCV003899736.1).